The following is an entry in ClinVar:

ClinVar aggregate classification (germline): Uncertain significance. Review status: criteria provided, multiple submitters, no conflicts (2 of 4 stars). 3 submissions from 3 submitters: Uncertain significance (3). Last evaluated 2025-06-17.

Conditions:
Distal myopathy with posterior leg and anterior hand involvement. Also called: WILLIAMS DISTAL MYOPATHY. Identifiers: Orphanet 63273, MedGen C3279722, MONDO:0013550, OMIM 614065.
Hypertrophic cardiomyopathy 26. Also called: Cardiomyopathy, familial hypertrophic, 26. Identifiers: Orphanet 75249, MedGen C4310749, MONDO:0014883, OMIM 617047.
Myofibrillar myopathy 5. Also called: Filaminopathy (type); FILAMINOPATHY, AUTOSOMAL DOMINANT. Identifiers: Orphanet 171445, MedGen C1836050, MONDO:0012289, OMIM 609524.
Cardiovascular phenotype. Identifiers: MedGen CN230736.

Allele frequency attached by ClinVar (database versions not stated): gnomAD 0.00001.
gnomAD v4.1: 3 of 1,613,698 alleles (0.00019%); highest among the groups gnomAD compares: African/African-American, 0.0027%; no homozygotes.

Submissions (3):

Ambry Genetics
Classification: Uncertain significance for Cardiovascular phenotype. Last evaluated: 2025-06-17. Review status: criteria provided, single submitter. Criteria: Ambry Variant Classification Scheme 2023. Collection method: clinical testing. Allele origin: germline.
Comment: The p.Y730C variant (also known as c.2189A>G), located in coding exon 14 of the FLNC gene, results from an A to G substitution at nucleotide position 2189. The tyrosine at codon 730 is replaced by cysteine, an amino acid with highly dissimilar properties. This amino acid position is conserved. In addition, this alteration is predicted to be deleterious by in silico analysis. Since supporting evidence is limited at this time, the clinical significance of this alteration remains unclear.

Labcorp Genetics (formerly Invitae), Labcorp
Classification: Uncertain significance for Distal myopathy with posterior leg and anterior hand involvement; Myofibrillar myopathy 5; Hypertrophic cardiomyopathy 26. Last evaluated: 2025-05-22. Review status: criteria provided, single submitter. Criteria: Invitae Variant Classification Sherloc (09022015). Collection method: clinical testing. Allele origin: germline.
Comment: This sequence change replaces tyrosine, which is neutral and polar, with cysteine, which is neutral and slightly polar, at codon 730 of the FLNC protein (p.Tyr730Cys). This variant is present in population databases (no rsID available, gnomAD 0.003%). This variant has not been reported in the literature in individuals affected with FLNC-related conditions. ClinVar contains an entry for this variant (Variation ID: 1787376). Invitae Evidence Modeling of protein sequence and biophysical properties (such as structural, functional, and spatial information, amino acid conservation, physicochemical variation, residue mobility, and thermodynamic stability) has been performed for this missense variant. However, the output from this modeling did not meet the statistical confidence thresholds required to predict the impact of this variant on FLNC protein function. In summary, the available evidence is currently insufficient to determine the role of this variant in disease. Therefore, it has been classified as a Variant of Uncertain Significance.

GeneDx
Classification: Uncertain significance. Last evaluated: 2025-03-09. Review status: criteria provided, single submitter. Criteria: GeneDx Variant Classification Process June 2021. Collection method: clinical testing. Allele origin: germline. Affected: yes.
Comment: Not observed at significant frequency in large population cohorts (gnomAD); In silico analysis supports that this missense variant has a deleterious effect on protein structure/function; Has not been previously published as pathogenic or benign to our knowledge

NM_001458.5(FLNC):c.2189A>G (p.Tyr730Cys)

Gene: FLNC (filamin C; plus strand). Cytogenetic location: 7q32.1.
Variant type: single nucleotide variant.
Coding change: c.2189A>G on transcript NM_001458.5 (MANE Select); coding-DNA position 2189, A replaced by G.
Protein change: p.Tyr730Cys; replaces tyrosine 730 with cysteine.
Molecular consequence: missense variant.
Genome position (GRCh38, 1-based): chr7:128,842,298, A>G. VCF-style: chr7-128842298-A-G. GRCh37 (hg19) VCF-style: chr7-128482352-A-G.
Other names: c.2189A>G, p.Tyr730Cys (NM_001127487.2); short protein forms Y730C.
Identifiers: ClinVar variation 1787376 (VCV001787376.9), dbSNP rs1177609933, ClinGen allele CA369229034.